The following is an entry in ClinVar:

ClinVar aggregate classification (germline): Pathogenic. Review status: criteria provided, multiple submitters, no conflicts (2 of 4 stars). 2 submissions from 2 submitters: Pathogenic (2). Last evaluated 2021-08-26.

Conditions:
Hereditary cancer-predisposing syndrome. Also called: Neoplastic Syndromes, Hereditary; Tumor predisposition; Hereditary neoplastic syndrome; Hereditary Cancer Syndrome. Identifiers: Orphanet 140162, MedGen C0027672, MeSH D009386, MONDO:0015356.
Hereditary breast ovarian cancer syndrome. Also called: BRCA1- and BRCA2-Associated Hereditary Breast and Ovarian Cancer; Hereditary breast and ovarian cancer; Hereditary breast and ovarian cancer syndrome; Hereditary breast and/or ovarian cancer syndrome; Hereditary breast and ovarian cancer syndrome (HBOC); Breast and ovarian cancer. Identifiers: Orphanet 145, MedGen C0677776, MeSH D061325, MONDO:0003582. Disease mechanism: loss of function.

Submissions (2):

Labcorp Genetics (formerly Invitae), Labcorp
Classification: Pathogenic for Hereditary breast ovarian cancer syndrome. Last evaluated: 2021-08-26. Review status: criteria provided, single submitter. Criteria: Invitae Variant Classification Sherloc (09022015). Collection method: clinical testing. Allele origin: germline.
Comment: For these reasons, this variant has been classified as Pathogenic. This variant has not been reported in the literature in individuals affected with BRCA2-related conditions. This variant is not present in population databases (ExAC no frequency). This sequence change creates a premature translational stop signal (p.Ser780Tyrfs*3) in the BRCA2 gene. It is expected to result in an absent or disrupted protein product. Loss-of-function variants in BRCA2 are known to be pathogenic (PMID: 20104584).

Ambry Genetics
Classification: Pathogenic for Hereditary cancer-predisposing syndrome. Last evaluated: 2020-09-22. Review status: criteria provided, single submitter. Criteria: Ambry Variant Classification Scheme 2023. Collection method: clinical testing. Allele origin: germline.
Comment: The c.2339_2352del14 pathogenic mutation, located in coding exon 10 of the BRCA2 gene, results from a deletion of 14 nucleotides at nucleotide positions 2339 to 2352, causing a translational frameshift with a predicted alternate stop codon (p.S780Yfs*3). This alteration is expected to result in loss of function by premature protein truncation or nonsense-mediated mRNA decay. As such, this alteration is interpreted as a disease-causing mutation.

Literature cited by the submitters: PubMed 20104584 (cited by Labcorp Genetics (formerly Invitae), Labcorp).

NM_000059.4(BRCA2):c.2339_2352del (p.Ser780fs)

Gene: BRCA2 (BRCA2 DNA repair associated; plus strand). Cytogenetic location: 13q13.1.
Variant type: Deletion.
Coding change: c.2339_2352del on transcript NM_000059.4 (MANE Select); coding-DNA positions 2339 to 2352, 14 bases deleted (CAAACCTAGTCATG).
Protein change: p.Ser780fs; shifts the reading frame from serine 780.
Molecular consequence: frameshift variant.
Genome position (GRCh38, 1-based): chr13:32,336,694-32,336,707, CAAACCTAGTCATG deleted. VCF-style (leftmost placement, unchanged base first): chr13-32336693-TCAAACCTAGTCATG-T. GRCh37 (hg19) VCF-style: chr13-32910830-TCAAACCTAGTCATG-T.
Other names: short protein forms S780fs.
Identifiers: ClinVar variation 1372712 (VCV001372712.8), dbSNP rs2137485485, ClinGen allele CA2573149376.